The following is an entry in ClinVar:

NM_001171613.2(PREPL):c.1526del (p.Pro509fs)

Gene: PREPL (prolyl endopeptidase like; minus strand). Cytogenetic location: 2p21.
Variant type: Deletion.
Coding change: c.1526del on transcript NM_001171613.2 (MANE Select); coding-DNA position 1526, one base deleted (C; older notation c.1526delC).
Protein change: p.Pro509fs; shifts the reading frame from proline 509.
Molecular consequence: frameshift variant.
Genome position (GRCh38, 1-based): chr2:44,323,365, G deleted on the plus strand (C on the coding strand, the reverse complement: PREPL is on the minus strand); the first of 2 consecutive G bases (chr2:44,323,365-44,323,366); deleting either gives the same sequence. VCF-style (leftmost placement, unchanged base first): chr2-44323364-AG-A. GRCh37 (hg19) VCF-style: chr2-44550503-AG-A.
Other names: c.1607del, p.Pro536fs (NM_001042385.2); c.1595del, p.Pro532fs (NM_001042386.2); c.1793del, p.Pro598fs (NM_001171603.1, NM_001171606.2, NM_001374275.1 and 2 more transcripts); c.1526del, p.Pro509fs (NM_001171617.1, NM_001374277.1); c.1793delC (NM_006036.4); short protein forms P509fs, P532fs, P598fs, P536fs.
Identifiers: ClinVar variation 503804 (VCV000503804.2), dbSNP rs1553351355, ClinGen allele CA658795720.

ClinVar aggregate classification (germline): Pathogenic (1 of 4 stars; one submission).

Submission:

GeneDx
Classification: Pathogenic. Last evaluated: 2017-11-03. Review status: criteria provided, single submitter. Criteria: GeneDx Variant Classification (06012015). Collection method: clinical testing. Allele origin: germline. Affected: yes.
Comment: The c.1793delC variant in the PREPL gene has not been reported previously as a pathogenic variant nor as a benign variant, to our knowledge. The c.1793delC variant causes a frameshift starting with codon Proline 598, changes this amino acid to a Leucine residue, and creates a premature Stop codon at position 2 of the new reading frame, denoted p.Pro598LeufsX2. This variant is predicted to cause loss of normal protein function either through protein truncation or nonsense-mediated mRNA decay. The c.1793delC variant is not observed in large population cohorts (Lek et al., 2016). We interpret c.1793delC as a pathogenic variant.